The following is an entry in ClinVar:

NM_170707.4(LMNA):c.1699-8C>G

Gene: LMNA (lamin A/C; plus strand). Cytogenetic location: 1q22.
Variant type: single nucleotide variant.
Coding change: c.1699-8C>G on transcript NM_170707.4 (MANE Select); 8 bases into the intron before coding-DNA position 1699, C replaced by G.
Molecular consequence: intron variant.
Genome position (GRCh38, 1-based): chr1:156,138,480, C>G. VCF-style: chr1-156138480-C-G. GRCh37 (hg19) VCF-style: chr1-156108271-C-G.
Other names: c.1699-8C>G (NM_001406983.1, NM_001406991.1, NM_001406985.1 and 1 more transcripts); c.1141-8C>G (NM_001406993.1, NM_001406995.1, NM_001406990.1 and 2 more transcripts); c.1075-8C>G (NM_001406999.1, NM_001407000.1, NM_001406994.1 and 1 more transcripts); c.1456-8C>G (NM_001406986.1, NM_001406987.1); c.1609-8C>G (NM_170708.4); c.1363-8C>G (NM_001406989.1, NM_001257374.3); c.1402-8C>G (NM_001406988.1).
Identifiers: ClinVar variation 163879 (VCV000163879.24), dbSNP rs727503137, ClinGen allele CA020283.

ClinVar aggregate classification (germline): Conflicting classifications of pathogenicity. Review status: criteria provided, conflicting classifications (1 of 4 stars). 9 submissions from 9 submitters: Uncertain significance (2); Likely benign (7). Last evaluated 2025-05-19.

Conditions:
Cardiovascular phenotype. Identifiers: MedGen CN230736.
Charcot-Marie-Tooth disease. Also called: Charcot-Marie-Tooth Neuropathy; Charcot-Marie-Tooth Hereditary Neuropathy. Identifiers: Orphanet 166, MedGen C0007959, MONDO:0015626.
Charcot-Marie-Tooth disease type 2. Also called: Charcot-Marie-Tooth type 2. Identifiers: Orphanet 64746, MedGen C0270914, MONDO:0018993.
Cardiomyopathy (CMYO). Also called: Cardiomyopathies. Identifiers: Orphanet 167848, MedGen C0878544, MONDO:0004994, HP:0001638. Inheritance: Various modes of inheritance.

Allele frequency attached by ClinVar (database versions not stated): gnomAD 0.00001; TOPMed 0.00001; gnomAD exomes 0.00002 and 0.00001; ExAC 0.00001.
gnomAD v4.1: 9 of 1,611,392 alleles (0.00056%); highest among the groups gnomAD compares: Non-Finnish European, 0.00076%; no homozygotes.

Submissions (9):

Labcorp Genetics (formerly Invitae), Labcorp
Classification: Likely benign for Charcot-Marie-Tooth disease type 2. Last evaluated: 2025-05-19. Review status: criteria provided, single submitter. Criteria: Invitae Variant Classification Sherloc (09022015). Collection method: clinical testing. Allele origin: germline.

Molecular Diagnostic Laboratory for Inherited Cardiovascular Disease, Montreal Heart Institute
Classification: Likely benign. Last evaluated: 2025-04-09. Review status: criteria provided, single submitter. Criteria: ACMG Guidelines, 2015. Collection method: clinical testing. Allele origin: germline. Affected: no.

Blueprint Genetics
Classification: Likely benign. Last evaluated: 2024-06-13. Review status: criteria provided, single submitter. Criteria: ACMG Guidelines, 2015. Collection method: clinical testing. Allele origin: germline.

Ambry Genetics
Classification: Likely benign for Cardiovascular phenotype. Last evaluated: 2024-03-28. Review status: criteria provided, single submitter. Criteria: Ambry Variant Classification Scheme 2023. Collection method: clinical testing. Allele origin: germline.

Color Diagnostics, LLC DBA Color Health
Classification: Likely benign for Cardiomyopathy. Last evaluated: 2022-10-14. Review status: criteria provided, single submitter. Criteria: ACMG Guidelines, 2015. Collection method: clinical testing. Allele origin: germline.

GeneDx
Classification: Likely benign. Last evaluated: 2021-05-06. Review status: criteria provided, single submitter. Criteria: GeneDx Variant Classification Process June 2021. Collection method: clinical testing. Allele origin: germline. Affected: yes.

CHEO Genetics Diagnostic Laboratory, Children's Hospital of Eastern Ontario
Classification: Uncertain significance for Cardiomyopathy. Last evaluated: 2017-01-23. Review status: criteria provided, single submitter. Criteria: ACMG Guidelines, 2015. Collection method: clinical testing. Allele origin: germline. Study: Canadian Open Genetics Repository.

Laboratory for Molecular Medicine, Mass General Brigham Personalized Medicine
Classification: Uncertain significance. Last evaluated: 2014-09-25. Review status: criteria provided, single submitter. Criteria: LMM Criteria. Collection method: clinical testing. Allele origin: germline. Observed: 1 variant allele.
Comment: The 1699-8C>G variant in LMNA has not been previously reported in individuals wi th cardiomyopathy. Data from large population studies is insufficient to assess the frequency of this variant. This variant is located in the 3' splice region. Computational tools do not suggest an impact to splicing, though this informatio n is not predictive enough to rule out pathogenicity. In summary, the clinical s ignificance of the 1699-8C>G variant is uncertain.

Molecular Genetics Laboratory, London Health Sciences Centre
Classification: Likely benign for Charcot-Marie-Tooth disease. Review status: criteria provided, single submitter. Criteria: ACMG Guidelines, 2015. Collection method: clinical testing. Allele origin: germline. Affected: yes.